The following is an entry in ClinVar:

NM_001378778.1(MPDZ):c.3327G>C (p.Met1109Ile)

Gene: MPDZ (multiple PDZ domain crumbs cell polarity complex component; minus strand). Cytogenetic location: 9p23.
Variant type: single nucleotide variant.
Coding change: c.3327G>C on transcript NM_001378778.1 (MANE Select); coding-DNA position 3327, G replaced by C.
Protein change: p.Met1109Ile; replaces methionine 1109 with isoleucine.
Molecular consequence: missense variant. On other transcripts: intron variant (1).
Genome position (GRCh38, 1-based): chr9:13,162,723, C>G on the plus strand (G>C on the coding strand, the complement: MPDZ is on the minus strand). VCF-style: chr9-13162723-C-G. GRCh37 (hg19) VCF-style: chr9-13162722-C-G.
Other names: c.3327G>C, p.Met1109Ile (NM_001261406.2, NM_001261407.2, NM_001330637.2 and 13 more transcripts); c.3254+5643G>C (NM_001375427.1); c.3327G>C (NM_003829.3); short protein forms M1109I.
Identifiers: ClinVar variation 1512613 (VCV001512613.7), dbSNP rs367937644, ClinGen allele CA4987166.

ClinVar aggregate classification (germline): Uncertain significance. Review status: criteria provided, multiple submitters, no conflicts (2 of 4 stars). 2 submissions from 2 submitters: Uncertain significance (2). Last evaluated 2025-06-12.

Conditions:
Inborn genetic diseases. Identifiers: MedGen C0950123, MeSH D030342.

Allele frequency attached by ClinVar (database versions not stated): 1000 Genomes Project 0.00040; 1000 Genomes Project 30x 0.00047.

Submissions (2):

Ambry Genetics
Classification: Uncertain significance for Inborn genetic diseases. Last evaluated: 2025-06-12. Review status: criteria provided, single submitter. Criteria: Ambry Variant Classification Scheme 2023. Collection method: clinical testing. Allele origin: germline.

Labcorp Genetics (formerly Invitae), Labcorp
Classification: Uncertain significance. Last evaluated: 2025-01-27. Review status: criteria provided, single submitter. Criteria: Invitae Variant Classification Sherloc (09022015). Collection method: clinical testing. Allele origin: germline.
Comment: This sequence change replaces methionine, which is neutral and non-polar, with isoleucine, which is neutral and non-polar, at codon 1109 of the MPDZ protein (p.Met1109Ile). This variant is present in population databases (rs367937644, gnomAD 0.1%). This variant has not been reported in the literature in individuals affected with MPDZ-related conditions. ClinVar contains an entry for this variant (Variation ID: 1512613). An algorithm developed to predict the effect of missense changes on protein structure and function (PolyPhen-2) suggests that this variant is likely to be tolerated. In summary, the available evidence is currently insufficient to determine the role of this variant in disease. Therefore, it has been classified as a Variant of Uncertain Significance.